The following is an entry in ClinVar:

NM_033159.4(HYAL1):c.370G>A (p.Gly124Arg)

Gene: HYAL1 (hyaluronidase 1; minus strand). Cytogenetic location: 3p21.31.
Variant type: single nucleotide variant.
Coding change: c.370G>A on transcript NM_033159.4 (MANE Select); coding-DNA position 370, G replaced by A.
Protein change: p.Gly124Arg; replaces glycine 124 with arginine.
Molecular consequence: missense variant. On other transcripts: 5 prime UTR variant (1), non-coding transcript variant (1), intron variant (1).
Genome position (GRCh38, 1-based): chr3:50,302,587, C>T on the plus strand (G>A on the coding strand, the complement: HYAL1 is on the minus strand). VCF-style: chr3-50302587-C-T. GRCh37 (hg19) VCF-style: chr3-50340018-C-T.
Other names: c.370G>A, p.Gly124Arg (NM_007312.3, NM_153281.2, NM_153282.3); c.-177G>A (NM_153283.3); c.-26-382G>A (NM_153285.3); short protein forms G124R.
Identifiers: ClinVar variation 1977338 (VCV001977338.3), dbSNP rs2470851794, ClinGen allele CA352894774.

ClinVar aggregate classification (germline): Uncertain significance (1 of 4 stars; one submission).

Conditions:
Deficiency of hyaluronoglucosaminidase (MPS9). Also called: MPS IX; Mucopolysaccharidosis type 9; HYALURONIDASE DEFICIENCY. Identifiers: Orphanet 67041, MedGen C1291490, MONDO:0011093, OMIM 601492.

Submission:

Labcorp Genetics (formerly Invitae), Labcorp
Classification: Uncertain significance for Deficiency of hyaluronoglucosaminidase. Last evaluated: 2025-03-10. Review status: criteria provided, single submitter. Criteria: Invitae Variant Classification Sherloc (09022015). Collection method: clinical testing. Allele origin: germline.
Comment: This sequence change replaces glycine, which is neutral and non-polar, with arginine, which is basic and polar, at codon 124 of the HYAL1 protein (p.Gly124Arg). This variant is not present in population databases (gnomAD no frequency). This variant has not been reported in the literature in individuals affected with HYAL1-related conditions. ClinVar contains an entry for this variant (Variation ID: 1977338). An algorithm developed to predict the effect of missense changes on protein structure and function (PolyPhen-2) suggests that this variant is likely to be disruptive. In summary, the available evidence is currently insufficient to determine the role of this variant in disease. Therefore, it has been classified as a Variant of Uncertain Significance.